The following is an entry in ClinVar:

ClinVar aggregate classification (germline): Uncertain significance (1 of 4 stars; one submission).

Submission:

Labcorp Genetics (formerly Invitae), Labcorp
Classification: Uncertain significance. Last evaluated: 2024-10-12. Review status: criteria provided, single submitter. Criteria: Invitae Variant Classification Sherloc (09022015). Collection method: clinical testing. Allele origin: germline.
Comment: This sequence change affects codon 595 of the MAGEL2 mRNA. It is a 'silent' change, meaning that it does not change the encoded amino acid sequence of the MAGEL2 protein. The frequency data for this variant in the population databases is considered unreliable, as metrics indicate poor data quality at this position in the gnomAD database. This variant has not been reported in the literature in individuals affected with MAGEL2-related conditions. In summary, the available evidence is currently insufficient to determine the role of this variant in disease. Therefore, it has been classified as a Variant of Uncertain Significance.

NM_019066.5(MAGEL2):c.1785G>A (p.Pro595=)

Gene: MAGEL2 (MAGE family member L2; minus strand). Cytogenetic location: 15q11.2.
Variant type: single nucleotide variant.
Coding change: c.1785G>A on transcript NM_019066.5 (MANE Select); coding-DNA position 1785, G replaced by A.
Protein change: p.Pro595=; no amino-acid change (proline 595 retained).
Molecular consequence: synonymous variant.
Genome position (GRCh38, 1-based): chr15:23,645,958, C>T on the plus strand (G>A on the coding strand, the complement: MAGEL2 is on the minus strand). VCF-style: chr15-23645958-C-T. GRCh37 (hg19) VCF-style: chr15-23891105-C-T.
Identifiers: ClinVar variation 3699083 (VCV003699083.2).
Genomic context (GRCh38, chr15:23,645,958, plus strand): 5'-CAGCGCCTGTGTCTGCTGCACCTCCTGGAATTCCATTGACGTTGGAATCTCGTGTGGCAC[C>T]GGGGGCTGACCTTTGGGGGCCTGCCAGATGATGGAAGGGCAGTGCACAGCCTGCGGGGCA-3'
Protein context (NP_061939.3, residues 585-605): IIWQAPKGQP[Pro595=]VPHEIPTSME